The following is an entry in ClinVar:

NM_000359.3(TGM1):c.1298G>A (p.Trp433Ter)

Gene: TGM1 (transglutaminase 1; minus strand). Cytogenetic location: 14q12.
Variant type: single nucleotide variant.
Coding change: c.1298G>A on transcript NM_000359.3 (MANE Select); coding-DNA position 1298, G replaced by A.
Protein change: p.Trp433Ter; replaces tryptophan 433 with a stop codon.
Molecular consequence: nonsense.
Genome position (GRCh38, 1-based): chr14:24,258,535, C>T on the plus strand (G>A on the coding strand, the complement: TGM1 is on the minus strand). VCF-style: chr14-24258535-C-T. GRCh37 (hg19) VCF-style: chr14-24727741-C-T.
Other names: short protein forms W433*.
Identifiers: ClinVar variation 2853368 (VCV002853368.3), dbSNP rs2502500054, ClinGen allele CA389260614.

ClinVar aggregate classification (germline): Pathogenic (1 of 4 stars; one submission).

Allele frequency attached by ClinVar (database versions not stated): gnomAD exomes below 0.00001.
gnomAD v4.1: 1 of 1,614,176 alleles (0.000062%); highest among the groups gnomAD compares: Non-Finnish European, 0.000085%; no homozygotes.

Submission:

Labcorp Genetics (formerly Invitae), Labcorp
Classification: Pathogenic. Last evaluated: 2023-04-07. Review status: criteria provided, single submitter. Criteria: Invitae Variant Classification Sherloc (09022015). Collection method: clinical testing. Allele origin: germline.
Comment: This sequence change creates a premature translational stop signal (p.Trp433*) in the TGM1 gene. It is expected to result in an absent or disrupted protein product. Loss-of-function variants in TGM1 are known to be pathogenic (PMID: 18948357, 19241467). This variant is not present in population databases (gnomAD no frequency). This variant has not been reported in the literature in individuals affected with TGM1-related conditions. Algorithms developed to predict the effect of sequence changes on RNA splicing suggest that this variant may create or strengthen a splice site. For these reasons, this variant has been classified as Pathogenic.

Literature cited by the submitters: PubMed 18948357; PubMed 19241467.